The following is an entry in ClinVar:

NM_000020.3(ACVRL1):c.1130C>T (p.Ala377Val)

Gene: ACVRL1 (activin A receptor like type 1; plus strand). Cytogenetic location: 12q13.13.
Variant type: single nucleotide variant.
Coding change: c.1130C>T on transcript NM_000020.3 (MANE Select); coding-DNA position 1130, C replaced by T.
Protein change: p.Ala377Val; replaces alanine 377 with valine.
Molecular consequence: missense variant.
Genome position (GRCh38, 1-based): chr12:51,916,117, C>T. VCF-style: chr12-51916117-C-T. GRCh37 (hg19) VCF-style: chr12-52309901-C-T.
Other names: c.1130C>T, p.Ala377Val (NM_001077401.2, NM_001406487.1, NM_001406488.1 and 1 more transcripts); c.818C>T, p.Ala273Val (NM_001406490.1, NM_001406491.1, NM_001406492.1 and 1 more transcripts); c.566C>T, p.Ala189Val (NM_001406495.1); short protein forms A189V, A273V, A377V.
Identifiers: ClinVar variation 1728213 (VCV001728213.7), dbSNP rs2540166475, ClinGen allele CA384902474.

ClinVar aggregate classification (germline): Pathogenic/Likely pathogenic. Review status: criteria provided, multiple submitters, no conflicts (2 of 4 stars). 3 submissions from 3 submitters: Pathogenic (1); Likely pathogenic (2). Last evaluated 2025-02-26.

Conditions:
Telangiectasia, hereditary hemorrhagic, type 2 (HHT2). Also called: ACVRL1-Related Hereditary Hemorrhagic Telangiectasia; Telangiectasia, hereditary hemorrhagic, type II. Identifiers: Orphanet 774, MedGen C1838163, MONDO:0010880, OMIM 600376. Disease mechanism: loss of function.
Hereditary factor VIII deficiency disease (HEMA). Also called: HEMOPHILIA, CLASSIC; AUTOSOMAL HEMOPHILIA A; Hemophilia A; Hemophilia A, congenital; HEM A; Factor 8 deficiency, congenital. Identifiers: Orphanet 98878, MedGen C0019069, MONDO:0010602, OMIM 306700.
Cardiovascular phenotype. Identifiers: MedGen CN230736.

Submissions (3):

Ambry Genetics
Classification: Likely pathogenic for Cardiovascular phenotype. Last evaluated: 2025-02-26. Review status: criteria provided, single submitter. Criteria: Ambry Variant Classification Scheme 2023. Collection method: clinical testing. Allele origin: germline.
Comment: The p.A377V variant (also known as c.1130C>T), located in coding exon 7 of the ACVRL1 gene, results from a C to T substitution at nucleotide position 1130. The alanine at codon 377 is replaced by valine, an amino acid with similar properties. This variant was reported in individual(s) with features consistent with hereditary hemorrhagic telangiectasia (HHT) (Ambry internal data). This variant is considered to be rare based on population cohorts in the Genome Aggregation Database (gnomAD). This amino acid position is highly conserved in available vertebrate species. In addition, this alteration is predicted to be deleterious by in silico analysis. Based on the majority of available evidence to date, this variant is likely to be pathogenic.

Genomic Medicine Center of Excellence, King Faisal Specialist Hospital and Research Centre
Classification: Pathogenic for Hereditary factor VIII deficiency disease. Last evaluated: 2024-12-19. Review status: criteria provided, single submitter. Criteria: ACMG Guidelines, 2015. Collection method: clinical testing. Allele origin: germline.

Labcorp Genetics (formerly Invitae), Labcorp
Classification: Likely pathogenic for Telangiectasia, hereditary hemorrhagic, type 2. Last evaluated: 2022-11-03. Review status: criteria provided, single submitter. Criteria: Invitae Variant Classification Sherloc (09022015). Collection method: clinical testing. Allele origin: germline.
Comment: In summary, the currently available evidence indicates that the variant is pathogenic, but additional data are needed to prove that conclusively. Therefore, this variant has been classified as Likely Pathogenic. This variant disrupts the p.Ala377 amino acid residue in ACVRL1. Other variant(s) that disrupt this residue have been determined to be pathogenic (PMID: 16470589; Invitae). This suggests that this residue is clinically significant, and that variants that disrupt this residue are likely to be disease-causing. Advanced modeling of protein sequence and biophysical properties (such as structural, functional, and spatial information, amino acid conservation, physicochemical variation, residue mobility, and thermodynamic stability) performed at Invitae indicates that this missense variant is expected to disrupt ACVRL1 protein function. This missense change has been observed in individual(s) with hereditary hemorrhagic telangiectasia (Invitae). This variant is not present in population databases (gnomAD no frequency). This sequence change replaces alanine, which is neutral and non-polar, with valine, which is neutral and non-polar, at codon 377 of the ACVRL1 protein (p.Ala377Val).

Literature cited by the submitters: PubMed 16470589 (cited by Labcorp Genetics (formerly Invitae), Labcorp).